The following is an entry in ClinVar:

ClinVar aggregate classification (germline): Uncertain significance. Review status: criteria provided, single submitter (1 of 4 stars). 2 submissions from 2 submitters: Uncertain significance (1). 1 of the submissions does not count toward it. Last evaluated 2018-05-23.

Conditions:
Cardiovascular phenotype. Identifiers: MedGen CN230736.
Familial long QT syndrome (RWS). Also called: Congenital long QT syndrome; Romano-Ward syndrome; VENTRICULAR FIBRILLATION WITH PROLONGED QT INTERVAL. Identifiers: Orphanet 768, MedGen C1141890, MONDO:0019171.

Submissions (2):

Ambry Genetics
Classification: Uncertain significance for Cardiovascular phenotype. Last evaluated: 2018-05-23. Review status: criteria provided, single submitter. Criteria: Ambry Variant Classification Scheme 2023. Collection method: clinical testing. Allele origin: germline.
Comment: The p.R380G variant (also known as c.1138A>G), located in coding exon 9 of the KCNQ1 gene, results from an A to G substitution at nucleotide position 1138. The arginine at codon 380 is replaced by glycine, an amino acid with dissimilar properties. This alteration has been reported in a proband and family members reported to have long QT syndrome (LQTS) (Schwartz PJ et al. Circulation, 2009 Nov;120:1761-7). In addition, another alteration affecting the same amino acid, p.R380S (c.1140G>T), has been reported in association with LQTS (Tester DJ et al. Heart Rhythm. 2005;2:507-17). Based on internal structural analysis, this variant is more disruptive than remote known pathogenic variants (Berman HM et al. Acta Crystallogr. D Biol. Crystallogr., 2002 Jun;58:899-907). This amino acid position is highly conserved in available vertebrate species. In addition, this alteration is predicted to be deleterious by in silico analysis. Since supporting evidence is limited at this time, the clinical significance of this alteration remains unclear.

Cardiovascular Biomedical Research Unit, Royal Brompton & Harefield NHS Foundation Trust
No classification provided. Condition: Familial long QT syndrome. Review status: no classification provided. Collection method: literature only. Allele origin: germline. Not counted in ClinVar's aggregate classification.
Comment: This variant has been reported as associated with Long QT syndrome in the following publications (PMID:19841298). This is a literature report, and does not necessarily reflect the clinical interpretation of the Imperial College / Royal Brompton Cardiovascular Genetics laboratory.

Literature cited by the submitters: PubMed 12037327 (cited by Ambry Genetics); PubMed 19841298 (cited by Ambry Genetics and Cardiovascular Biomedical Research Unit, Royal Brompton & Harefield NHS Foundation Trust); PubMed 22581653 (cited by Cardiovascular Biomedical Research Unit, Royal Brompton & Harefield NHS Foundation Trust).

NM_000218.3(KCNQ1):c.1138A>G (p.Arg380Gly)

Gene: KCNQ1 (potassium voltage-gated channel subfamily Q member 1; plus strand). Cytogenetic location: 11p15.5.
Variant type: single nucleotide variant.
Coding change: c.1138A>G on transcript NM_000218.3 (MANE Select); coding-DNA position 1138, A replaced by G.
Protein change: p.Arg380Gly; replaces arginine 380 with glycine.
Molecular consequence: missense variant.
Genome position (GRCh38, 1-based): chr11:2,587,579, A>G. VCF-style: chr11-2587579-A-G. GRCh37 (hg19) VCF-style: chr11-2608809-A-G.
Other names: c.1138A>G (LRG_287t1); c.1042A>G, p.Arg348Gly (NM_001406836.1); c.868A>G, p.Arg290Gly (NM_001406837.1); c.598A>G, p.Arg200Gly (NM_001406838.1); c.757A>G, p.Arg253Gly (NM_181798.2); short protein forms R380G, R253G, R290G, R200G, R348G.
Identifiers: ClinVar variation 67016 (VCV000067016.5), dbSNP rs199472770, ClinGen allele CA005387.